The following is an entry in ClinVar:

ClinVar aggregate classification (germline): Uncertain significance (1 of 4 stars; one submission).

Submission:

Ambry Genetics
Classification: Uncertain significance. Last evaluated: 2025-07-05. Review status: criteria provided, single submitter. Criteria: Ambry Variant Classification Scheme 2023. Collection method: clinical testing. Allele origin: germline.
Comment: The p.D895Y variant (also known as c.2683G>T), located in coding exon 24 of the KIF1B gene, results from a G to T substitution at nucleotide position 2683. The aspartic acid at codon 895 is replaced by tyrosine, an amino acid with highly dissimilar properties. This amino acid position is conserved. In addition, this alteration is predicted to be deleterious by in silico analysis. Since supporting evidence is limited at this time, the clinical significance of this alteration remains unclear.

NM_001365951.3(KIF1B):c.2821G>T (p.Asp941Tyr)

Genes: KIF1B (kinesin family member 1B; plus strand), LOC126805614 (BRD4-independent group 4 enhancer GRCh37_chr1:10385546-10386745; plus strand). Cytogenetic location: 1p36.22.
Variant type: single nucleotide variant.
Coding change: c.2821G>T on transcript NM_001365951.3 (MANE Select); coding-DNA position 2821, G replaced by T.
Protein change: p.Asp941Tyr; replaces aspartic acid 941 with tyrosine.
Molecular consequence: missense variant.
Genome position (GRCh38, 1-based): chr1:10,326,256, G>T. VCF-style: chr1-10326256-G-T. GRCh37 (hg19) VCF-style: chr1-10386314-G-T.
Other names: c.2821G>T, p.Asp941Tyr (NM_001365952.1); c.2683G>T, p.Asp895Tyr (NM_015074.3); short protein forms D941Y, D895Y.
Identifiers: ClinVar variation 2563613 (VCV002563613.3), dbSNP rs2521639989, ClinGen allele CA338337262.